The following is an entry in ClinVar:

NM_000204.5(CFI):c.801A>C (p.Lys267Asn)

Gene: CFI (complement factor I; minus strand). Cytogenetic location: 4q25.
Variant type: single nucleotide variant.
Coding change: c.801A>C on transcript NM_000204.5 (MANE Select); coding-DNA position 801, A replaced by C.
Protein change: p.Lys267Asn; replaces lysine 267 with asparagine.
Molecular consequence: missense variant. On other transcripts: non-coding transcript variant (3).
Genome position (GRCh38, 1-based): chr4:109,760,352, T>G on the plus strand (A>C on the coding strand, the complement: CFI is on the minus strand). VCF-style: chr4-109760352-T-G. GRCh37 (hg19) VCF-style: chr4-110681508-T-G.
Other names: c.801A>C, p.Lys267Asn (NM_001318057.2, NM_001331035.2, NM_001375278.1 and 10 more transcripts); c.192A>C, p.Lys64Asn (NM_001375284.1); short protein forms K267N, K64N.
Identifiers: ClinVar variation 4280507 (VCV004280507.1).

ClinVar aggregate classification (germline): Uncertain significance (1 of 4 stars; one submission).

Conditions:
CFI-related disorder. Also called: CFI-related condition; CFI-related disorders. Identifiers: MedGen CN239325.

Submission:

Genomenon, Inc
Classification: Uncertain significance for CFI-related disorder. Last evaluated: 2025-09-26. Review status: criteria provided, single submitter. Criteria: Genomenon Sequence Variant Interpretation Standards - Updated. Collection method: curation. Allele origin: germline. Affected: no.
Comment: CFI p.Lys267Asn (c.801A>C) is a missense variant that changes the amino acid at residue 267 from Lysine to Asparagine. To our knowledge, this variant has not been reported in patients affected with CFI-related disorders in the published literature. Functional studies have been reported; however, the significance of the findings remain unclear (PMID:32510551). It is absent or not present at a significant frequency in gnomAD. In conclusion, we classify CFI p.Lys267Asn (c.801A>C) as a variant of unknown significance.

Literature cited by the submitters: PubMed 32510551.